The following is an entry in ClinVar:

ClinVar aggregate classification (germline): Likely benign (0 of 4 stars; one submission).

Conditions:
CELSR3-related disorder. Also called: CELSR3-related condition.

Allele frequency attached by ClinVar (database versions not stated): gnomAD exomes below 0.00001.

Submission:

PreventionGenetics, part of Exact Sciences
Classification: Likely benign for CELSR3-related condition. Last evaluated: 2019-02-21. Review status: no assertion criteria provided. Collection method: clinical testing. Allele origin: germline.
Comment: This variant is classified as likely benign based on ACMG/AMP sequence variant interpretation guidelines (Richards et al. 2015 PMID: 25741868, with internal and published modifications).

NM_001407.3(CELSR3):c.3843C>T (p.Asn1281=)

Gene: CELSR3 (cadherin EGF LAG seven-pass G-type receptor 3; minus strand). Cytogenetic location: 3p21.31.
Variant type: single nucleotide variant.
Coding change: c.3843C>T on transcript NM_001407.3 (MANE Select); coding-DNA position 3843, C replaced by T.
Protein change: p.Asn1281=; no amino-acid change (asparagine 1281 retained).
Molecular consequence: synonymous variant.
Genome position (GRCh38, 1-based): chr3:48,657,254, G>A on the plus strand (C>T on the coding strand, the complement: CELSR3 is on the minus strand). VCF-style: chr3-48657254-G-A. GRCh37 (hg19) VCF-style: chr3-48694687-G-A.
Identifiers: ClinVar variation 3058310 (VCV003058310.2), dbSNP rs1469773303, ClinGen allele CA433621602.